The following is an entry in ClinVar:

NM_000179.3(MSH6):c.3260_3261insT (p.Phe1088fs)

Gene: MSH6 (mutS homolog 6; plus strand). Cytogenetic location: 2p16.3.
Variant type: Insertion.
Coding change: c.3260_3261insT on transcript NM_000179.3 (MANE Select); coding-DNA positions 3260 to 3261, T inserted.
Protein change: p.Phe1088fs; shifts the reading frame from phenylalanine 1088.
Molecular consequence: frameshift variant.
Genome position: GRCh38 VCF-style: chr2-47803507-C-CT. GRCh37 (hg19) VCF-style: chr2-48030646-C-CT.
Other names: c.3266_3267insT, p.Phe1090Leufs (NM_001406813.1); c.2354_2355insT, p.Phe786Leufs (NM_001406814.1, NM_001406815.1, NM_001406816.1 and 4 more transcripts); c.1694_1695insT, p.Phe566Leufs (NM_001406817.1); c.2963_2964insT, p.Phe989Leufs (NM_001406818.1, NM_001406797.1, NM_001406801.1 and 10 more transcripts); c.2870_2871insT, p.Phe958fs (NM_001281492.2); c.2354_2355insT, p.Phe786fs (NM_001281493.2, NM_001281494.2); c.3356_3357insT, p.Phe1120Leufs (NM_001406795.1, NM_001406802.1); c.3260_3261insT, p.Phe1088Leufs (NM_001406796.1, NM_001406800.1, NM_001406808.1 and 1 more transcripts); and 7 more; short protein forms F786fs, F1088fs, F958fs.
Identifiers: ClinVar variation 1729527 (VCV001729527.3), dbSNP rs2530763870, ClinGen allele CA2580067015.

ClinVar aggregate classification (germline): Pathogenic. Review status: criteria provided, multiple submitters, no conflicts (2 of 4 stars). 2 submissions from 2 submitters: Pathogenic (2). Last evaluated 2023-08-22.

Conditions:
Hereditary cancer-predisposing syndrome. Also called: Neoplastic Syndromes, Hereditary; Tumor predisposition; Hereditary Cancer Syndrome; Hereditary neoplastic syndrome. Identifiers: Orphanet 140162, MedGen C0027672, MeSH D009386, MONDO:0015356.
Lynch syndrome 5 (LYNCH5). Also called: Hereditary non-polyposis colorectal cancer, type 5; Colorectal cancer, hereditary nonpolyposis, type 5. Identifiers: Orphanet 144, MedGen C1833477, MONDO:0013710, OMIM 614350. Disease mechanism: loss of function.

Submissions (2):

Myriad Genetics, Inc.
Classification: Pathogenic for Lynch syndrome 5. Last evaluated: 2023-08-22. Review status: criteria provided, single submitter. Criteria: Myriad Autosomal Dominant, Autosomal Recessive and X-Linked Classification Criteria (2023). Collection method: clinical testing. Allele origin: unknown.
Comment: This variant is considered pathogenic. This variant creates a frameshift predicted to result in premature protein truncation.

Ambry Genetics
Classification: Pathogenic for Hereditary cancer-predisposing syndrome. Last evaluated: 2021-12-07. Review status: criteria provided, single submitter. Criteria: Ambry Variant Classification Scheme 2023. Collection method: clinical testing. Allele origin: germline.
Comment: The c.3260_3261insT pathogenic mutation, located in coding exon 5 of the MSH6 gene, results from an insertion of one nucleotide at position 3260, causing a translational frameshift with a predicted alternate stop codon (p.F1088Lfs*5). While this exact alteration has not been reported in the literature, multiple other alterations (c.3261dupC, c.3259_3260insA, c.3263dupT, c.3273dupT) resulting in the same stop codon have been detected in individuals with Lynch syndrome (Rosty C et al. Fam. Cancer, 2014 Dec;13:573-82; Susswein LR et al. Genet. Med., 2016 Aug;18:823-32; Terui H et al. Oncol. Rep., 2013 Dec;30:2909-16; Sjursen W et al. Mol Genet Genomic Med, 2016 Mar;4:223-31; Berends MJ et al. Am. J. Hum. Genet., 2002 Jan;70:26-37; Niessen RC et al. Gut, 2006 Dec;55:1781-8; Kets CM et al. Br. J. Cancer, 2006 Dec;95:1678-82). In addition, MSH6 c. 3261dupC has also been detected in conjunction with a second MSH6 mutation in an individual with congenial mismatch repair deficiency (Bougeard G et al. Fam. Cancer, 2014 Mar;13:131-5). In addition to the clinical data presented in the literature, this alteration is expected to result in loss of function by premature protein truncation or nonsense-mediated mRNA decay. As such, this alteration is interpreted as a disease-causing mutation.

Literature cited by the submitters: PubMed 11709755 (cited by Ambry Genetics); PubMed 16636019 (cited by Ambry Genetics); PubMed 17117178 (cited by Ambry Genetics); PubMed 24068316 (cited by Ambry Genetics); PubMed 24100870 (cited by Ambry Genetics); PubMed 25117503 (cited by Ambry Genetics); PubMed 26681312 (cited by Ambry Genetics); PubMed 27064304 (cited by Ambry Genetics).